The following is an entry in ClinVar:

NM_001267550.2(TTN):c.94740T>C (p.Tyr31580=)

Genes: TTN (titin; minus strand), TTN-AS1 (TTN antisense RNA 1; plus strand). Cytogenetic location: 2q31.2.
Variant type: single nucleotide variant.
Coding change: c.94740T>C on transcript NM_001267550.2 (MANE Select); coding-DNA position 94740, T replaced by C.
Protein change: p.Tyr31580=; no amino-acid change (tyrosine 31580 retained).
Molecular consequence: synonymous variant.
Genome position (GRCh38, 1-based): chr2:178,546,688, A>G on the plus strand (T>C on the coding strand, the complement: TTN is on the minus strand). VCF-style: chr2-178546688-A-G. GRCh37 (hg19) VCF-style: chr2-179411415-A-G.
Other names: c.89817T>C, p.Tyr29939= (NM_001256850.1); c.67545T>C, p.Tyr22515= (NM_003319.4); c.87036T>C, p.Tyr29012= (NM_133378.4); c.67920T>C, p.Tyr22640= (NM_133432.3); c.68121T>C, p.Tyr22707= (NM_133437.4).
Identifiers: ClinVar variation 750328 (VCV000750328.14), dbSNP rs1359929309, ClinGen allele CA430242412.

ClinVar aggregate classification (germline): Likely benign. Review status: criteria provided, multiple submitters, no conflicts (2 of 4 stars). 4 submissions from 4 submitters: Likely benign (3). 1 of the submissions does not count toward it. Last evaluated 2025-07-29.

Conditions:
TTN-related disorder. Also called: TTN-related disorders; TTN-related condition; TTN-related disease.
Cardiovascular phenotype. Identifiers: MedGen CN230736.
Autosomal recessive limb-girdle muscular dystrophy type 2J (LGMDR10). Also called: Limb-girdle muscular dystrophy, type 2J; MUSCULAR DYSTROPHY, LIMB-GIRDLE, AUTOSOMAL RECESSIVE 10. Identifiers: Orphanet 140922, MedGen C1837342, MONDO:0012127, OMIM 608807.
Dilated cardiomyopathy 1G (CMD1G). Identifiers: Orphanet 154, MedGen C1858763, MONDO:0011400, OMIM 604145.
Hypertrophic cardiomyopathy 9. Also called: Familial hypertrophic cardiomyopathy 9. Identifiers: MedGen C1861065, MONDO:0013412, OMIM 613765.
Tibial muscular dystrophy (TMD). Also called: Tibial muscular dystrophy, tardive; UDD MYOPATHY; Udd Distal Myopathy – Tibial Muscular Dystrophy. Identifiers: Orphanet 609, MedGen C1838244, MONDO:0010870, OMIM 600334.
Myopathy, myofibrillar, 9, with early respiratory failure (MFM9). Also called: Hereditary myopathy with early respiratory failure; MYOPATHY, PROXIMAL, WITH EARLY RESPIRATORY MUSCLE INVOLVEMENT; EDSTROM MYOPATHY; Myopathy, distal, with early respiratory failure, autosomal dominant. Identifiers: Orphanet 178464, Orphanet 34521, MedGen C1863599, MONDO:0011362, OMIM 603689.
Early-onset myopathy with fatal cardiomyopathy (CMYO5). Also called: Salih Myopathy; CONGENITAL MYOPATHY 5 WITH CARDIOMYOPATHY. Identifiers: Orphanet 289377, MedGen C2673677, MONDO:0012714, OMIM 611705. Disease mechanism: loss of function.

Allele frequency attached by ClinVar (database versions not stated): gnomAD 0.00001; TOPMed 0.00002.
gnomAD v4.1: 9 of 1,613,696 alleles (0.00056%); highest among the groups gnomAD compares: East Asian, 0.0045%; no homozygotes.

Submissions (4):

Labcorp Genetics (formerly Invitae), Labcorp
Classification: Likely benign for Dilated cardiomyopathy 1G; Autosomal recessive limb-girdle muscular dystrophy type 2J. Last evaluated: 2025-07-29. Review status: criteria provided, single submitter. Criteria: Invitae Variant Classification Sherloc (09022015). Collection method: clinical testing. Allele origin: germline.

Ambry Genetics
Classification: Likely benign for Cardiovascular phenotype. Last evaluated: 2022-11-07. Review status: criteria provided, single submitter. Criteria: Ambry Variant Classification Scheme 2023. Collection method: clinical testing. Allele origin: germline.

Fulgent Genetics
Classification: Likely benign for Tibial muscular dystrophy; Myopathy, myofibrillar, 9, with early respiratory failure; Dilated cardiomyopathy 1G; Autosomal recessive limb-girdle muscular dystrophy type 2J; Early-onset myopathy with fatal cardiomyopathy; Hypertrophic cardiomyopathy 9. Last evaluated: 2021-10-07. Review status: criteria provided, single submitter. Criteria: ACMG Guidelines, 2015. Collection method: clinical testing. Allele origin: unknown.

PreventionGenetics, part of Exact Sciences
Classification: Likely benign for TTN-related condition. Last evaluated: 2019-10-16. Review status: no assertion criteria provided. Collection method: clinical testing. Allele origin: germline. Not counted in ClinVar's aggregate classification.
Comment: This variant is classified as likely benign based on ACMG/AMP sequence variant interpretation guidelines (Richards et al. 2015 PMID: 25741868, with internal and published modifications).